The following is an entry in ClinVar:

NM_001165963.4(SCN1A):c.1708A>T (p.Ser570Cys)

Gene: SCN1A (sodium voltage-gated channel alpha subunit 1; minus strand). Cytogenetic location: 2q24.3.
Variant type: single nucleotide variant.
Coding change: c.1708A>T on transcript NM_001165963.4 (MANE Select); coding-DNA position 1708, A replaced by T.
Protein change: p.Ser570Cys; replaces serine 570 with cysteine.
Molecular consequence: missense variant. On other transcripts: 5 prime UTR variant (1), non-coding transcript variant (1).
Genome position (GRCh38, 1-based): chr2:166,044,004, T>A on the plus strand (A>T on the coding strand, the complement: SCN1A is on the minus strand). VCF-style: chr2-166044004-T-A. GRCh37 (hg19) VCF-style: chr2-166900514-T-A.
Other names: c.1708A>T, p.Ser570Cys (NM_001165964.3, NM_001202435.3, NM_001353948.2 and 7 more transcripts); c.1705A>T, p.Ser569Cys (NM_001353954.2, NM_001353955.2, NM_001353960.2); c.-718A>T (NM_001353961.2); short protein forms S569C, S570C.
Identifiers: ClinVar variation 1496329 (VCV001496329.7), dbSNP rs2105844454, ClinGen allele CA349067995.

ClinVar aggregate classification (germline): Uncertain significance (1 of 4 stars; one submission).

Conditions:
Early-infantile DEE. Also called: Early infantile epileptic encephalopathy; Early infantile epileptic encephalopathy with suppression bursts; Ohtahara syndrome. Identifiers: Orphanet 1934, MedGen C0393706, MONDO:0800491.

Submission:

Labcorp Genetics (formerly Invitae), Labcorp
Classification: Uncertain significance for Early-infantile DEE. Last evaluated: 2021-09-03. Review status: criteria provided, single submitter. Criteria: Invitae Variant Classification Sherloc (09022015). Collection method: clinical testing. Allele origin: germline.
Comment: In summary, the available evidence is currently insufficient to determine the role of this variant in disease. Therefore, it has been classified as a Variant of Uncertain Significance. Advanced modeling of protein sequence and biophysical properties (such as structural, functional, and spatial information, amino acid conservation, physicochemical variation, residue mobility, and thermodynamic stability) performed at Invitae indicates that this missense variant is expected to disrupt SCN1A protein function. This variant has not been reported in the literature in individuals affected with SCN1A-related conditions. This variant is not present in population databases (ExAC no frequency). This sequence change replaces serine with cysteine at codon 570 of the SCN1A protein (p.Ser570Cys). The serine residue is highly conserved and there is a moderate physicochemical difference between serine and cysteine.